The following is an entry in ClinVar:

ClinVar aggregate classification (germline): Benign/Likely benign. Review status: criteria provided, multiple submitters, no conflicts (2 of 4 stars). 3 submissions from 3 submitters: Benign (1); Likely benign (2). Last evaluated 2026-01-24.

Conditions:
Papillary renal cell carcinoma type 1 (RCCP1). Also called: RENAL CELL CARCINOMA, PAPILLARY, 1, SOMATIC; Renal adenocarcinoma; Renal cell carcinoma 1; Renal cell carcinoma, somatic. Identifiers: Orphanet 47044, MedGen C1336839, OMIM 605074, HP:0011797.
Renal cell carcinoma. Identifiers: Orphanet 217071, MedGen C0007134, MeSH D002292, MONDO:0005086, HP:0005584.
Hereditary cancer-predisposing syndrome. Also called: Hereditary Cancer Syndrome; Tumor predisposition; Hereditary neoplastic syndrome; Neoplastic Syndromes, Hereditary. Identifiers: Orphanet 140162, MedGen C0027672, MeSH D009386, MONDO:0015356.

Submissions (3):

Labcorp Genetics (formerly Invitae), Labcorp
Classification: Likely benign for Renal cell carcinoma. Last evaluated: 2026-01-24. Review status: criteria provided, single submitter. Criteria: Invitae Variant Classification Sherloc (09022015). Collection method: clinical testing. Allele origin: germline.

Myriad Genetics, Inc.
Classification: Benign for Papillary renal cell carcinoma type 1. Last evaluated: 2024-11-14. Review status: criteria provided, single submitter. Criteria: Myriad Autosomal Dominant, Autosomal Recessive and X-Linked Classification Criteria (2023). Collection method: clinical testing. Allele origin: unknown.
Comment: This variant is considered benign. This variant is a silent/synonymous amino acid change and it is not expected to impact splicing.

Ambry Genetics
Classification: Likely benign for Hereditary cancer-predisposing syndrome. Last evaluated: 2024-10-04. Review status: criteria provided, single submitter. Criteria: Ambry Variant Classification Scheme 2023. Collection method: clinical testing. Allele origin: germline.

NM_000245.4(MET):c.3900A>G (p.Arg1300=)

Gene: MET (MET proto-oncogene, receptor tyrosine kinase; plus strand). Cytogenetic location: 7q31.2.
Variant type: single nucleotide variant.
Coding change: c.3900A>G on transcript NM_000245.4 (MANE Select); coding-DNA position 3900, A replaced by G.
Protein change: p.Arg1300=; no amino-acid change (arginine 1300 retained).
Molecular consequence: synonymous variant.
Genome position (GRCh38, 1-based): chr7:116,795,756, A>G. VCF-style: chr7-116795756-A-G. GRCh37 (hg19) VCF-style: chr7-116435810-A-G.
Other names: c.3954A>G, p.Arg1318= (NM_001127500.3); c.2610A>G, p.Arg870= (NM_001324402.2).
Identifiers: ClinVar variation 3395085 (VCV003395085.4).